The following is an entry in ClinVar:

NM_177986.5(DSG4):c.583G>C (p.Ala195Pro)

Genes: DSG1-AS1 (DSG1 antisense RNA 1; minus strand), DSG4 (desmoglein 4; plus strand). Cytogenetic location: 18q12.1.
Variant type: single nucleotide variant.
Coding change: c.583G>C on transcript NM_177986.5 (MANE Select); coding-DNA position 583, G replaced by C.
Protein change: p.Ala195Pro; replaces alanine 195 with proline.
Molecular consequence: missense variant.
Genome position (GRCh38, 1-based): chr18:31,390,721, G>C. VCF-style: chr18-31390721-G-C. GRCh37 (hg19) VCF-style: chr18-28970684-G-C.
Other names: c.583G>C, p.Ala195Pro (NM_001134453.3); short protein forms A195P.
Identifiers: ClinVar variation 4077080 (VCV004077080.1).
Genomic context (GRCh38, chr18:31,390,721, plus strand): 5'-TTGGTAGTAAAGTTATGTGCCACAGATGCAGATGAAGAAAATCATCTGAATTCTAAAATT[G>C]CCTACAAGATCGTCTCTCAGGAGCCATCAGGTGCACCCATGTTCATTCTGAATAGGTACA-3'
Protein context (NP_817123.1, residues 185-205): DEENHLNSKI[Ala195Pro]YKIVSQEPSG

ClinVar aggregate classification (germline): Uncertain significance (1 of 4 stars; one submission).

Conditions:
Hypotrichosis 6 (HYPT6). Also called: HYPOTRICHOSIS, LOCALIZED, AUTOSOMAL RECESSIVE 1; MONILETHRIX-LIKE HYPOTRICHOSIS. Identifiers: Orphanet 55654, MedGen C1842839, MONDO:0011932, OMIM 607903.

Submission:

MVZ Medizinische Genetik Mainz
Classification: Uncertain significance for Hypotrichosis 6. Last evaluated: 2025-08-21. Review status: criteria provided, single submitter. Criteria: UK Practice Guidelines For Variant Classification V4 01 2020. Collection method: clinical testing. Allele origin: germline. Inheritance: Autosomal recessive inheritance. Affected: yes. Observed: 1 variant allele.
Comment: ACMG Criteria: PM1_SUP,PM2_SUP,PM3_SUP,PP4